The following is an entry in ClinVar:

ClinVar aggregate classification (germline): Uncertain significance. Review status: criteria provided, multiple submitters, no conflicts (2 of 4 stars). 3 submissions from 3 submitters: Uncertain significance (3). Last evaluated 2025-06-12.

Conditions:
Inborn genetic diseases. Identifiers: MedGen C0950123, MeSH D030342.

Allele frequency attached by ClinVar (database versions not stated): TOPMed 0.00025; ExAC 0.00021; ESP Exome Variant Server 0.00029; gnomAD 0.00030 and 0.00031.
gnomAD v4.1: 751 of 1,507,022 alleles (0.05%); highest among the groups gnomAD compares: Non-Finnish European, 0.065%; 1 homozygote.

Submissions (3):

Ambry Genetics
Classification: Uncertain significance for Inborn genetic diseases. Last evaluated: 2025-06-12. Review status: criteria provided, single submitter. Criteria: Ambry Variant Classification Scheme 2023. Collection method: clinical testing. Allele origin: germline.

Labcorp Genetics (formerly Invitae), Labcorp
Classification: Uncertain significance. Last evaluated: 2025-01-29. Review status: criteria provided, single submitter. Criteria: Invitae Variant Classification Sherloc (09022015). Collection method: clinical testing. Allele origin: germline.
Comment: This sequence change replaces alanine, which is neutral and non-polar, with valine, which is neutral and non-polar, at codon 200 of the NKX3-2 protein (p.Ala200Val). This variant is present in population databases (rs377066284, gnomAD 0.06%). This variant has not been reported in the literature in individuals affected with NKX3-2-related conditions. ClinVar contains an entry for this variant (Variation ID: 597510). Invitae Evidence Modeling of protein sequence and biophysical properties (such as structural, functional, and spatial information, amino acid conservation, physicochemical variation, residue mobility, and thermodynamic stability) indicates that this missense variant is not expected to disrupt NKX3-2 protein function with a negative predictive value of 80%. In summary, the available evidence is currently insufficient to determine the role of this variant in disease. Therefore, it has been classified as a Variant of Uncertain Significance.

Eurofins Ntd Llc (ga)
Classification: Uncertain significance. Last evaluated: 2018-06-18. Review status: criteria provided, single submitter. Criteria: EGL ClinVar v180209 classification definitions. Collection method: clinical testing. Allele origin: germline. Observed: 1 variant allele, 1 heterozygote.

NM_001189.4(NKX3-2):c.599C>T (p.Ala200Val)

Genes: NKX3-2 (NK3 homeobox 2; minus strand), LOC129992265 (ATAC-STARR-seq lymphoblastoid silent region 15286; plus strand). Cytogenetic location: 4p15.33.
Variant type: single nucleotide variant.
Coding change: c.599C>T on transcript NM_001189.4 (MANE Select); coding-DNA position 599, C replaced by T.
Protein change: p.Ala200Val; replaces alanine 200 with valine.
Molecular consequence: missense variant.
Genome position (GRCh38, 1-based): chr4:13,542,396, G>A on the plus strand (C>T on the coding strand, the complement: NKX3-2 is on the minus strand). VCF-style: chr4-13542396-G-A. GRCh37 (hg19) VCF-style: chr4-13544020-G-A.
Other names: c.599C>T (NM_001189.3); short protein forms A200V.
Identifiers: ClinVar variation 597510 (VCV000597510.12), dbSNP rs377066284, ClinGen allele CA2860340.